The following is an entry in ClinVar:

NM_001955.5(EDN1):c.141C>T (p.Leu47=)

Gene: EDN1 (endothelin 1; plus strand). Cytogenetic location: 6p24.1.
Variant type: single nucleotide variant.
Coding change: c.141C>T on transcript NM_001955.5 (MANE Select); coding-DNA position 141, C replaced by T.
Protein change: p.Leu47=; no amino-acid change (leucine 47 retained).
Molecular consequence: synonymous variant.
Genome position (GRCh38, 1-based): chr6:12,292,417, C>T. VCF-style: chr6-12292417-C-T. GRCh37 (hg19) VCF-style: chr6-12292650-C-T.
Other names: c.138C>T, p.Leu46= (NM_001168319.2).
Identifiers: ClinVar variation 712585 (VCV000712585.8), dbSNP rs148565651, ClinGen allele CA3638637.
Genomic context (GRCh38, chr6:12,292,417, plus strand): 5'-GCTCAGCGCGGTGGGTGAGAACGGCGGGGAGAAACCCACTCCCAGTCCACCCTGGCGGCT[C>T]CGCCGGTCCAAGCGCTGCTCCTGCTCGTCCCTGATGGATAAAGAGTGTGTCTACTTCTGC-3'
Protein context (NP_001946.3, residues 37-57): EKPTPSPPWR[Leu47=]RRSKRCSCSS

ClinVar aggregate classification (germline): Benign. Review status: criteria provided, single submitter (1 of 4 stars). 2 submissions from 2 submitters: Benign (1). 1 of the submissions does not count toward it. Last evaluated 2024-11-09.

Conditions:
EDN1-related disorder. Also called: EDN1-related condition.

Allele frequency attached by ClinVar (database versions not stated): gnomAD exomes 0.00012 and 0.00038; 1000 Genomes Project 0.00060; 1000 Genomes Project 30x 0.00078; gnomAD 0.00130 and 0.00143; TOPMed 0.00158; ExAC 0.00048; ESP Exome Variant Server 0.00231.
gnomAD v4.1: 382 of 1,614,192 alleles (0.024%); highest among the groups gnomAD compares: African/African-American, 0.45%; no homozygotes.

Submissions (2):

Labcorp Genetics (formerly Invitae), Labcorp
Classification: Benign. Last evaluated: 2024-11-09. Review status: criteria provided, single submitter. Criteria: Invitae Variant Classification Sherloc (09022015). Collection method: clinical testing. Allele origin: germline.

PreventionGenetics, part of Exact Sciences
Classification: Benign for EDN1-related condition. Last evaluated: 2019-05-20. Review status: no assertion criteria provided. Collection method: clinical testing. Allele origin: germline. Not counted in ClinVar's aggregate classification.
Comment: This variant is classified as benign based on ACMG/AMP sequence variant interpretation guidelines (Richards et al. 2015 PMID: 25741868, with internal and published modifications).